The following is an entry in ClinVar:

NM_022089.4(ATP13A2):c.3535del (p.Pro1178_Leu1179insTer)

Gene: ATP13A2 (ATPase cation transporting 13A2; minus strand). Cytogenetic location: 1p36.13.
Variant type: Deletion.
Coding change: c.3535del on transcript NM_022089.4 (MANE Select); coding-DNA position 3535, one base deleted (C; older notation c.3535delC).
Protein change: p.Pro1178_Leu1179insTer.
Molecular consequence: nonsense. On other transcripts: frameshift variant (1).
Genome position (GRCh38, 1-based): chr1:16,986,229, G deleted on the plus strand (C on the coding strand, the reverse complement: ATP13A2 is on the minus strand); the first of 5 consecutive G bases (chr1:16,986,229-16,986,233); deleting any one gives the same sequence. VCF-style (leftmost placement, unchanged base first): chr1-16986228-AG-A. GRCh37 (hg19) VCF-style: chr1-17312723-AG-A.
Other names: c.3520del, p.Pro1173_Leu1174insTer (NM_001141973.3); c.3233del, p.Pro1078fs (NM_001141974.3); c.3535delC (NM_022089.3); short protein forms P1078fs.
Identifiers: ClinVar variation 642673 (VCV000642673.1), dbSNP rs1570752813, ClinGen allele CA915941146.

ClinVar aggregate classification (germline): Uncertain significance (1 of 4 stars; one submission).

Conditions:
Kufor-Rakeb syndrome (KRS). Also called: PARKINSON DISEASE 9, AUTOSOMAL RECESSIVE, JUVENILE-ONSET. Identifiers: Orphanet 306674, Orphanet 314632, MedGen C1847640, MONDO:0011706, OMIM 606693.
Autosomal recessive spastic paraplegia type 78. Identifiers: Orphanet 513436, MedGen C5567893, MONDO:0014975, OMIM 617225.

Submission:

Labcorp Genetics (formerly Invitae), Labcorp
Classification: Uncertain significance for Parkinson disease 9; Spastic paraplegia 78, autosomal recessive. Last evaluated: 2018-11-21. Review status: criteria provided, single submitter. Criteria: Invitae Variant Classification Sherloc (09022015). Collection method: clinical testing. Allele origin: germline.
Comment: This sequence change results in a premature translational stop signal in the ATP13A2 gene (p.Leu1179*). While this is not anticipated to result in nonsense mediated decay, it is expected to disrupt the last 2 amino acids of the ATP13A2 protein. This variant is not present in population databases (ExAC no frequency). This variant has not been reported in the literature in individuals with ATP13A2-related disease. Experimental studies and prediction algorithms are not available for this variant, and the functional significance of the affected amino acid(s) is currently unknown. In summary, the available evidence is currently insufficient to determine the role of this variant in disease. Therefore, it has been classified as a Variant of Uncertain Significance.